The following is an entry in ClinVar:

NM_001145809.2(MYH14):c.3820C>A (p.Arg1274=)

Gene: MYH14 (myosin heavy chain 14; plus strand). Cytogenetic location: 19q13.33.
Variant type: single nucleotide variant.
Coding change: c.3820C>A on transcript NM_001145809.2 (MANE Select); coding-DNA position 3820, C replaced by A.
Protein change: p.Arg1274=; no amino-acid change (arginine 1274 retained).
Molecular consequence: synonymous variant.
Genome position (GRCh38, 1-based): chr19:50,276,896, C>A. VCF-style: chr19-50276896-C-A. GRCh37 (hg19) VCF-style: chr19-50780153-C-A.
Other names: c.3721C>A, p.Arg1241= (NM_001077186.2); c.3697C>A, p.Arg1233= (NM_024729.4).
Identifiers: ClinVar variation 3389416 (VCV003389416.14).

ClinVar aggregate classification (germline): Likely benign (1 of 4 stars; one submission).

gnomAD v4.1: 5 of 804,124 alleles (0.00062%); highest among the groups gnomAD compares: Admixed American, 0.0076%; no homozygotes.

Submission:

CeGaT Center for Human Genetics Tuebingen
Classification: Likely benign. Last evaluated: 2024-11-01. Review status: criteria provided, single submitter. Criteria: CeGaT Center For Human Genetics Tuebingen Variant Classification Criteria Version 2. Collection method: clinical testing. Allele origin: germline. Affected: yes. Observed: 1 variant allele.
Comment: MYH14: BP4, BP7